The following is an entry in ClinVar:

ClinVar aggregate classification (germline): Likely pathogenic. Review status: criteria provided, multiple submitters, no conflicts (2 of 4 stars). 2 submissions from 2 submitters: Likely pathogenic (2). Last evaluated 2025-11-25.

Conditions:
Alstrom syndrome (ALMS). Identifiers: Orphanet 64, MedGen C0268425, MONDO:0008763, OMIM 203800.

Submissions (2):

GeneDx
Classification: Likely pathogenic. Last evaluated: 2025-11-25. Review status: criteria provided, single submitter. Criteria: GeneDx Variant Classification Process June 2021. Collection method: clinical testing. Allele origin: germline. Affected: yes.
Comment: Frameshift variant predicted to result in protein truncation or nonsense mediated decay in a gene for which loss of function is a known mechanism of disease; Not observed at significant frequency in large population cohorts (gnomAD); Has not been previously published as pathogenic or benign to our knowledge

Fulgent Genetics
Classification: Likely pathogenic for Alstrom syndrome. Last evaluated: 2021-11-10. Review status: criteria provided, single submitter. Criteria: ACMG Guidelines, 2015. Collection method: clinical testing. Allele origin: unknown.

NM_001378454.1(ALMS1):c.8117_8118delinsG (p.Glu2706fs)

Gene: ALMS1 (ALMS1 centrosome and basal body associated protein; plus strand). Cytogenetic location: 2p13.1.
Variant type: Indel.
Coding change: c.8117_8118delinsG on transcript NM_001378454.1 (MANE Select); coding-DNA positions 8117 to 8118, AA replaced by G.
Protein change: p.Glu2706fs; shifts the reading frame from glutamic acid 2706.
Molecular consequence: frameshift variant.
Genome position (GRCh38, 1-based): chr2:73,490,076-73,490,077, AA replaced by G. VCF-style: chr2-73490076-AA-G. GRCh37 (hg19) VCF-style: chr2-73717203-AA-G.
Other names: c.8120_8121delAAinsG (NM_015120.4); c.8120_8121delinsG, p.Glu2707fs (NM_015120.4); short protein forms E2707fs, E2706fs.
Identifiers: ClinVar variation 817824 (VCV000817824.4), dbSNP rs1182262187, ClinGen allele CA915944024.